The following is an entry in ClinVar:

NM_000122.2(ERCC3):c.1507G>A (p.Ala503Thr)

Gene: ERCC3 (ERCC excision repair 3, TFIIH core complex helicase subunit; minus strand). Cytogenetic location: 2q14.3.
Variant type: single nucleotide variant.
Coding change: c.1507G>A on transcript NM_000122.2 (MANE Select); coding-DNA position 1507, G replaced by A.
Protein change: p.Ala503Thr; replaces alanine 503 with threonine.
Molecular consequence: missense variant.
Genome position (GRCh38, 1-based): chr2:127,280,467, C>T on the plus strand (G>A on the coding strand, the complement: ERCC3 is on the minus strand). VCF-style: chr2-127280467-C-T. GRCh37 (hg19) VCF-style: chr2-128038043-C-T.
Other names: c.1315G>A, p.Ala439Thr (NM_001303416.2, NM_001303418.2); short protein forms A439T, A503T.
Identifiers: ClinVar variation 2171490 (VCV002171490.4), dbSNP rs745884071, ClinGen allele CA1858256.

ClinVar aggregate classification (germline): Uncertain significance (1 of 4 stars; one submission).

Allele frequency attached by ClinVar (database versions not stated): ExAC 0.00001; gnomAD 0.00001; TOPMed 0.00001.
gnomAD v4.1: 4 of 1,612,440 alleles (0.00025%); highest among the groups gnomAD compares: Non-Finnish European, 0.00034%; no homozygotes.

Submission:

Labcorp Genetics (formerly Invitae), Labcorp
Classification: Uncertain significance. Last evaluated: 2022-05-30. Review status: criteria provided, single submitter. Criteria: Invitae Variant Classification Sherloc (09022015). Collection method: clinical testing. Allele origin: germline.
Comment: In summary, the available evidence is currently insufficient to determine the role of this variant in disease. Therefore, it has been classified as a Variant of Uncertain Significance. Algorithms developed to predict the effect of missense changes on protein structure and function (SIFT, PolyPhen-2, Align-GVGD) all suggest that this variant is likely to be disruptive. This variant has not been reported in the literature in individuals affected with ERCC3-related conditions. The frequency data for this variant in the population databases is considered unreliable, as metrics indicate poor data quality at this position in the gnomAD database. This sequence change replaces alanine, which is neutral and non-polar, with threonine, which is neutral and polar, at codon 503 of the ERCC3 protein (p.Ala503Thr).